The following is an entry in ClinVar:

ClinVar aggregate classification (germline): Uncertain significance (1 of 4 stars; one submission).

gnomAD v4.1: 12 of 1,603,538 alleles (0.00075%); highest among the groups gnomAD compares: East Asian, 0.022%; no homozygotes.

Submission:

CeGaT Center for Human Genetics Tuebingen
Classification: Uncertain significance. Last evaluated: 2024-11-01. Review status: criteria provided, single submitter. Criteria: CeGaT Center For Human Genetics Tuebingen Variant Classification Criteria Version 2. Collection method: clinical testing. Allele origin: germline. Affected: yes. Observed: 1 variant allele.
Comment: PTPN23: PM2

NM_015466.4(PTPN23):c.2900T>C (p.Phe967Ser)

Gene: PTPN23 (protein tyrosine phosphatase non-receptor type 23; plus strand). Cytogenetic location: 3p21.31.
Variant type: single nucleotide variant.
Coding change: c.2900T>C on transcript NM_015466.4 (MANE Select); coding-DNA position 2900, T replaced by C.
Protein change: p.Phe967Ser; replaces phenylalanine 967 with serine.
Molecular consequence: missense variant.
Genome position (GRCh38, 1-based): chr3:47,410,698, T>C. VCF-style: chr3-47410698-T-C. GRCh37 (hg19) VCF-style: chr3-47452188-T-C.
Other names: c.2522T>C, p.Phe841Ser (NM_001304482.2); short protein forms F841S, F967S.
Identifiers: ClinVar variation 3389158 (VCV003389158.14).